The following is an entry in ClinVar:

ClinVar aggregate classification (germline): Uncertain significance (1 of 4 stars; one submission).

Submission:

Labcorp Genetics (formerly Invitae), Labcorp
Classification: Uncertain significance. Last evaluated: 2021-07-14. Review status: criteria provided, single submitter. Criteria: Invitae Variant Classification Sherloc (09022015). Collection method: clinical testing. Allele origin: germline.
Comment: Experimental studies and prediction algorithms are not available or were not evaluated, and the functional significance of this variant is currently unknown. In summary, the available evidence is currently insufficient to determine the role of this variant in disease. Therefore, it has been classified as a Variant of Uncertain Significance. This variant has not been reported in the literature in individuals affected with DGKZ-related conditions. This variant is present in population databases (rs768113408, ExAC 0.004%). This variant, c.281_283del, results in the deletion of 1 amino acid(s) of the DGKZ protein (p.Pro94del), but otherwise preserves the integrity of the reading frame.

NM_001199267.2(DGKZ):c.162-754_162-752del

Gene: DGKZ (diacylglycerol kinase zeta; plus strand). Cytogenetic location: 11p11.2.
Variant type: Deletion.
Coding change: c.162-754_162-752del on transcript NM_001199267.2 (MANE Select); 754 bases into the intron before coding-DNA position 162 through 752 bases into the intron before coding-DNA position 162, 3 bases deleted (CAC; older notation c.162-754_162-752delCAC).
Molecular consequence: intron variant. On other transcripts: inframe deletion (1).
Genome position (GRCh38, 1-based): chr11:46,366,537-46,366,539, CAC deleted; deleting any 3 consecutive bases within chr11:46,366,536-46,366,539 gives the same sequence; the c. name uses the placement nearest the transcript's 3' end. VCF-style (leftmost placement, unchanged base first): chr11-46366535-TCCA-T. GRCh37 (hg19) VCF-style: chr11-46388085-TCCA-T.
Other names: c.281_283del, p.Pro94del (NM_001105540.2); c.213-754_213-752del (NM_201532.3); c.177-754_177-752del (NM_201533.3); c.162-754_162-752del (NM_001199266.2, NM_003646.4, NM_001199268.2); short protein forms P94del.
Identifiers: ClinVar variation 1464771 (VCV001464771.8), dbSNP rs768113408, ClinGen allele CA5962121.
Genomic context (GRCh38, chr11:46,366,535, plus strand): 5'-GCGCTCCAGCACTGTGCCCCCTTCCTGCAACCCCCGCTTCATCGTGGATAAGGTGCTCAC[TCCA>T]CAGCCTACCACCGTGGGGGCCCAGCTTCTGGGTGCACCCCTGCTGTTGACCGGGCTTGTG-3'